The following is an entry in ClinVar:

ClinVar aggregate classification (germline): Likely pathogenic. Review status: criteria provided, multiple submitters, no conflicts (2 of 4 stars). 3 submissions from 3 submitters: Likely pathogenic (3). Last evaluated 2025-08-18.

Conditions:
Multiple epiphyseal dysplasia type 1. Also called: COMP-Related Multiple Epiphyseal Dysplasia. Identifiers: Orphanet 93308, MedGen C1838280, MONDO:0007561, OMIM 132400.
Pseudoachondroplastic spondyloepiphyseal dysplasia syndrome (PSACH). Also called: PSEUDOACHONDROPLASTIC DYSPLASIA; Pseudoachondroplasia; COMP-Related Pseudoachondroplasia. Identifiers: Orphanet 750, MedGen C0410538, MONDO:0008322, OMIM 177170.

Submissions (3):

Labcorp Genetics (formerly Invitae), Labcorp
Classification: Likely pathogenic. Last evaluated: 2025-08-18. Review status: criteria provided, single submitter. Criteria: Invitae Variant Classification Sherloc (09022015). Collection method: clinical testing. Allele origin: germline.
Comment: This sequence change replaces aspartic acid, which is acidic and polar, with asparagine, which is neutral and polar, at codon 437 of the COMP protein (p.Asp437Asn). This variant is not present in population databases (gnomAD no frequency). This missense change has been observed in individual(s) with pseudoachondroplasia (PMID: 34750995). In at least one individual the variant was observed to be de novo. ClinVar contains an entry for this variant (Variation ID: 818216). An algorithm developed to predict the effect of missense changes on protein structure and function (PolyPhen-2) suggests that this variant is likely to be disruptive. This variant disrupts the p.Asp437 amino acid residue in COMP. Other variant(s) that disrupt this residue have been observed in individuals with COMP-related conditions (PMID: 10405447, 37842142), which suggests that this may be a clinically significant amino acid residue. In summary, the currently available evidence indicates that the variant is pathogenic, but additional data are needed to prove that conclusively. Therefore, this variant has been classified as Likely Pathogenic.

Department of Clinical Genetics, Copenhagen University Hospital, Rigshospitalet
Classification: Likely pathogenic for Multiple epiphyseal dysplasia type 1. Last evaluated: 2021-08-01. Review status: criteria provided, single submitter. Criteria: ACMG Guidelines, 2015. Collection method: clinical testing. Allele origin: de novo. Affected: yes.

Kasturba Medical College, Manipal, Kasturba Medical College, Manipal, Manipal Academy of Higher Education, Manipal, India
Classification: Likely pathogenic for Pseudoachondroplastic spondyloepiphyseal dysplasia syndrome. Last evaluated: 2020-02-03. Review status: criteria provided, single submitter. Criteria: ACMG Guidelines, 2015. Collection method: clinical testing. Allele origin: de novo. Affected: yes. Observed: 1 variant allele.
Comment: The variant is considered to be likely pathogenic as it qualifies following criteria of ACMG: PM1, PM2, PP2,PP3 and PP4

Literature cited by the submitters: PubMed 34750995 (cited by Labcorp Genetics (formerly Invitae), Labcorp); PubMed 10405447 (cited by Labcorp Genetics (formerly Invitae), Labcorp); PubMed 37842142 (cited by Labcorp Genetics (formerly Invitae), Labcorp); PubMed 12768438 (cited by Kasturba Medical College, Manipal, Kasturba Medical College, Manipal, Manipal Academy of Higher Education, Manipal, India).

NM_000095.3(COMP):c.1309G>A (p.Asp437Asn)

Gene: COMP (cartilage oligomeric matrix protein; minus strand). Cytogenetic location: 19p13.11.
Variant type: single nucleotide variant.
Coding change: c.1309G>A on transcript NM_000095.3 (MANE Select); coding-DNA position 1309, G replaced by A.
Protein change: p.Asp437Asn; replaces aspartic acid 437 with asparagine.
Molecular consequence: missense variant.
Genome position (GRCh38, 1-based): chr19:18,786,145, C>T on the plus strand (G>A on the coding strand, the complement: COMP is on the minus strand). VCF-style: chr19-18786145-C-T. GRCh37 (hg19) VCF-style: chr19-18896955-C-T.
Other names: short protein forms D437N.
Identifiers: ClinVar variation 818216 (VCV000818216.12), dbSNP rs2055165476, ClinGen allele CA404885378.